The following is an entry in ClinVar:

ClinVar aggregate classification (germline): not provided (0 of 4 stars; one submission).

Submission:

ITMI
No classification provided. Condition: AllHighlyPenetrant. Last evaluated: 2013-09-19. Review status: no classification provided. Collection method: reference population. Allele origin: germline.
Comment: Please see associated publication for description of ethnicities

Literature cited by the submitters: PubMed 24728327.

NM_001904.4(CTNNB1):c.45A>C (p.Glu15Asp)

Genes: CTNNB1 (catenin beta 1; plus strand), LOC126806658 (BRD4-independent group 4 enhancer GRCh37_chr3:41265899-41267098; plus strand). Cytogenetic location: 3p22.1.
Variant type: single nucleotide variant.
Coding change: c.45A>C on transcript NM_001904.4 (MANE Select); coding-DNA position 45, A replaced by C.
Protein change: p.Glu15Asp; replaces glutamic acid 15 with aspartic acid.
Molecular consequence: missense variant.
Genome position (GRCh38, 1-based): chr3:41,224,557, A>C. VCF-style: chr3-41224557-A-C. GRCh37 (hg19) VCF-style: chr3-41266048-A-C.
Other names: c.45A>C, p.Glu15Asp (NM_001098209.2, NM_001098210.2); c.24A>C, p.Glu8Asp (NM_001330729.2); short protein forms E15D, E8D.
Identifiers: ClinVar variation 133952 (VCV000133952.1), dbSNP rs587778221, ClinGen allele CA158228.